The following is an entry in ClinVar:

NM_153704.6(TMEM67):c.2897T>C (p.Leu966Pro)

Gene: TMEM67 (transmembrane protein 67; plus strand). Cytogenetic location: 8q22.1.
Variant type: single nucleotide variant.
Coding change: c.2897T>C on transcript NM_153704.6 (MANE Select); coding-DNA position 2897, T replaced by C.
Protein change: p.Leu966Pro; replaces leucine 966 with proline.
Molecular consequence: missense variant. On other transcripts: non-coding transcript variant (1).
Genome position (GRCh38, 1-based): chr8:93,815,437, T>C. VCF-style: chr8-93815437-T-C. GRCh37 (hg19) VCF-style: chr8-94827665-T-C.
Other names: c.2654T>C, p.Leu885Pro (NM_001142301.1); short protein forms L885P, L966P.
Identifiers: ClinVar variation 56780 (VCV000056780.2), dbSNP rs386834199, ClinGen allele CA144483.

ClinVar aggregate classification (germline): Likely pathogenic (0 of 4 stars; one submission).

Conditions:
Meckel syndrome, type 3 (MKS3). Also called: MECKEL-GRUBER SYNDROME, TYPE 3. Identifiers: Orphanet 564, MedGen C1846357, MONDO:0011821, OMIM 607361.

Submission:

Juha Muilu Group; Institute for Molecular Medicine Finland (FIMM)
Classification: Likely pathogenic for Meckel syndrome type 3. Review status: no assertion criteria provided. Collection method: not provided. Allele origin: unknown.
Comment: FinDis database variant: This variant was not found or characterized by our laboratory, data were collected from public sources: see reference
ClinVar note: Converted during submission from probable-pathogenic to Likely pathogenic.